The following is an entry in ClinVar:

NM_002474.3(MYH11):c.1764G>C (p.Ala588=)

Gene: MYH11 (myosin heavy chain 11; minus strand). Cytogenetic location: 16p13.11.
Variant type: single nucleotide variant.
Coding change: c.1764G>C on transcript NM_002474.3 (MANE Select); coding-DNA position 1764, G replaced by C.
Protein change: p.Ala588=; no amino-acid change (alanine 588 retained).
Molecular consequence: synonymous variant.
Genome position (GRCh38, 1-based): chr16:15,753,494, C>G on the plus strand (G>C on the coding strand, the complement: MYH11 is on the minus strand). VCF-style: chr16-15753494-C-G. GRCh37 (hg19) VCF-style: chr16-15847351-C-G.
Other names: c.1785G>C, p.Ala595= (NM_001040113.2, NM_001040114.2); c.1764G>C, p.Ala588= (NM_022844.3).
Identifiers: ClinVar variation 385738 (VCV000385738.35), dbSNP rs375133214, ClinGen allele CA7922515.

ClinVar aggregate classification (germline): Likely benign. Review status: criteria provided, multiple submitters, no conflicts (2 of 4 stars). 9 submissions from 9 submitters: Likely benign (9). Last evaluated 2025-07-01.

Conditions:
Familial thoracic aortic aneurysm and aortic dissection (TAAD). Also called: Thoracic aortic aneurysms and dissections. Identifiers: Orphanet 91387, MedGen C4707243, MONDO:0019625.
Aortic aneurysm, familial thoracic 4 (AAT4). Also called: AORTIC ANEURYSM/AORTIC DISSECTION AND PATENT DUCTUS ARTERIOSUS. Identifiers: MedGen C1851504, MONDO:0007568, OMIM 132900.

Allele frequency attached by ClinVar (database versions not stated): TOPMed 0.00001.
gnomAD v4.1: 15 of 1,613,972 alleles (0.00093%); highest among the groups gnomAD compares: Middle Eastern, 0.049%; no homozygotes.

Submissions (9):

Labcorp Genetics (formerly Invitae), Labcorp
Classification: Likely benign for Aortic aneurysm, familial thoracic 4. Last evaluated: 2025-07-01. Review status: criteria provided, single submitter. Criteria: Invitae Variant Classification Sherloc (09022015). Collection method: clinical testing. Allele origin: germline.

All of Us Research Program, National Institutes of Health
Classification: Likely benign for Familial thoracic aortic aneurysm and aortic dissection. Last evaluated: 2024-09-11. Review status: criteria provided, single submitter. Criteria: ACMG Guidelines, 2015. Collection method: clinical testing. Allele origin: germline. Inheritance: Autosomal dominant inheritance. Observed: 12 variant alleles, 12 heterozygotes.
Comment: This study involves interpretation of variants in research participants for the purpose of population health screening. Participant phenotype was not available at the time of variant classification. Additional details can be found in publication PMID: 35346344, PMCID: PMC8962531

CeGaT Center for Human Genetics Tuebingen
Classification: Likely benign. Last evaluated: 2024-07-01. Review status: criteria provided, single submitter. Criteria: CeGaT Center For Human Genetics Tuebingen Variant Classification Criteria Version 2. Collection method: clinical testing. Allele origin: germline. Affected: yes. Observed: 1 variant allele.
Comment: MYH11: BP4, BP7

Women's Health and Genetics/Laboratory Corporation of America, LabCorp
Classification: Likely benign. Last evaluated: 2023-07-21. Review status: criteria provided, single submitter. Criteria: LabCorp Variant Classification Summary - May 2015. Collection method: clinical testing. Allele origin: germline.

CHEO Genetics Diagnostic Laboratory, Children's Hospital of Eastern Ontario
Classification: Likely benign for Familial thoracic aortic aneurysm and aortic dissection. Last evaluated: 2020-06-09. Review status: criteria provided, single submitter. Criteria: ACMG Guidelines, 2015. Collection method: clinical testing. Allele origin: germline.

Ambry Genetics
Classification: Likely benign for Familial thoracic aortic aneurysm and aortic dissection. Last evaluated: 2019-10-04. Review status: criteria provided, single submitter. Criteria: Ambry Variant Classification Scheme 2023. Collection method: clinical testing. Allele origin: germline.

Color Diagnostics, LLC DBA Color Health
Classification: Likely benign for Familial thoracic aortic aneurysm and aortic dissection. Last evaluated: 2018-11-27. Review status: criteria provided, single submitter. Criteria: ACMG Guidelines, 2015. Collection method: clinical testing. Allele origin: germline.

GeneDx
Classification: Likely benign. Last evaluated: 2017-09-05. Review status: criteria provided, single submitter. Criteria: GeneDx Variant Classification (06012015). Collection method: clinical testing. Allele origin: germline. Affected: yes.
Comment: This variant is considered likely benign or benign based on one or more of the following criteria: it is a conservative change, it occurs at a poorly conserved position in the protein, it is predicted to be benign by multiple in silico algorithms, and/or has population frequency not consistent with disease.

Breakthrough Genomics
Classification: Likely benign. Review status: criteria provided, single submitter. Criteria: ACMG Guidelines, 2015. Collection method: not provided. Allele origin: germline. Inheritance: Autosomal recessive inheritance. Affected: yes.